The following is an entry in ClinVar:

NM_001453.3(FOXC1):c.115G>T (p.Ala39Ser)

Gene: FOXC1 (forkhead box C1; plus strand). Cytogenetic location: 6p25.3.
Variant type: single nucleotide variant.
Coding change: c.115G>T on transcript NM_001453.3 (MANE Select); coding-DNA position 115, G replaced by T.
Protein change: p.Ala39Ser; replaces alanine 39 with serine.
Molecular consequence: missense variant.
Genome position (GRCh38, 1-based): chr6:1,610,560, G>T. VCF-style: chr6-1610560-G-T. GRCh37 (hg19) VCF-style: chr6-1610795-G-T.
Other names: c.115G>T (NM_001453.2); short protein forms A39S.
Identifiers: ClinVar variation 2049419 (VCV002049419.7), dbSNP rs746088193, ClinGen allele CA3614698.

ClinVar aggregate classification (germline): Uncertain significance. Review status: criteria provided, multiple submitters, no conflicts (2 of 4 stars). 3 submissions from 3 submitters: Uncertain significance (3). Last evaluated 2025-10-14.

Conditions:
Anterior segment dysgenesis 3 (ASGD3). Also called: IRIDOGONIODYSGENESIS ANOMALY, AUTOSOMAL DOMINANT; Glaucoma iridogoniodysplasia, familial. Identifiers: Orphanet 91483, MedGen C5975707, MONDO:0024456, OMIM 601631.
Axenfeld-Rieger syndrome type 3 (RIEG3). Also called: AXENFELD-RIEGER ANOMALY WITH CARDIAC DEFECTS AND/OR SENSORINEURAL HEARING LOSS. Identifiers: Orphanet 782, MedGen C2678503, MONDO:0011233, OMIM 602482.
Inborn genetic diseases. Identifiers: MedGen C0950123, MeSH D030342.

Allele frequency attached by ClinVar (database versions not stated): ExAC 0.00005; gnomAD 0.00008; TOPMed 0.00009; 1000 Genomes Project 30x 0.00016.
gnomAD v4.1: 18 of 1,567,042 alleles (0.0011%); highest among the groups gnomAD compares: African/African-American, 0.022%; no homozygotes.

Submissions (3):

Labcorp Genetics (formerly Invitae), Labcorp
Classification: Uncertain significance for Axenfeld-Rieger syndrome type 3. Last evaluated: 2025-10-14. Review status: criteria provided, single submitter. Criteria: Invitae Variant Classification Sherloc (09022015). Collection method: clinical testing. Allele origin: germline.
Comment: This sequence change replaces alanine, which is neutral and non-polar, with serine, which is neutral and polar, at codon 39 of the FOXC1 protein (p.Ala39Ser). The frequency data for this variant in the population databases is considered unreliable, as metrics indicate poor data quality at this position in the gnomAD database. This variant has not been reported in the literature in individuals affected with FOXC1-related conditions. ClinVar contains an entry for this variant (Variation ID: 2049419). An algorithm developed to predict the effect of missense changes on protein structure and function (PolyPhen-2) suggests that this variant is likely to be tolerated. In summary, the available evidence is currently insufficient to determine the role of this variant in disease. Therefore, it has been classified as a Variant of Uncertain Significance.

Fulgent Genetics
Classification: Uncertain significance for Anterior segment dysgenesis 3; Axenfeld-Rieger syndrome type 3. Last evaluated: 2024-05-10. Review status: criteria provided, single submitter. Criteria: ACMG Guidelines, 2015. Collection method: clinical testing. Allele origin: germline.

Ambry Genetics
Classification: Uncertain significance for Inborn genetic diseases. Last evaluated: 2023-04-07. Review status: criteria provided, single submitter. Criteria: Ambry Variant Classification Scheme 2023. Collection method: clinical testing. Allele origin: germline.